The following is an entry in ClinVar:

NM_000384.3(APOB):c.11219T>C (p.Leu3740Pro)

Gene: APOB (apolipoprotein B; minus strand). Cytogenetic location: 2p24.1.
Variant type: single nucleotide variant.
Coding change: c.11219T>C on transcript NM_000384.3 (MANE Select); coding-DNA position 11219, T replaced by C.
Protein change: p.Leu3740Pro; replaces leucine 3740 with proline.
Molecular consequence: missense variant.
Genome position (GRCh38, 1-based): chr2:21,005,649, A>G on the plus strand (T>C on the coding strand, the complement: APOB is on the minus strand). VCF-style: chr2-21005649-A-G. GRCh37 (hg19) VCF-style: chr2-21228521-A-G.
Other names: short protein forms L3740P.
Identifiers: ClinVar variation 3933013 (VCV003933013.1).
Genomic context (GRCh38, chr2:21,005,649, plus strand): 5'-GATGGAACCTGAAGATCTGTAAATGGGACATGGAACGTAGGCATGACAAGAACTGAATTT[A>G]GATCATTTAGTTTCAGCCCAGGAATAATGAATTTATCAGCCAAAACTTTTACAGGGATGG-3'
Protein context (NP_000375.3, residues 3730-3750): FIIPGLKLND[Leu3740Pro]NSVLVMPTFH

ClinVar aggregate classification (germline): Uncertain significance (1 of 4 stars; one submission).

Conditions:
Cardiovascular phenotype. Identifiers: MedGen CN230736.

Submission:

Ambry Genetics
Classification: Uncertain significance for Cardiovascular phenotype. Last evaluated: 2025-05-06. Review status: criteria provided, single submitter. Criteria: Ambry Variant Classification Scheme 2023. Collection method: clinical testing. Allele origin: germline.
Comment: The p.L3740P variant (also known as c.11219T>C), located in coding exon 26 of the APOB gene, results from a T to C substitution at nucleotide position 11219. The leucine at codon 3740 is replaced by proline, an amino acid with similar properties. This amino acid position is conserved. In addition, this alteration is predicted to be tolerated by in silico analysis. Based on the available evidence, the clinical significance of this variant remains unclear.